The following is an entry in ClinVar:

NM_003221.4(TFAP2B):c.634A>G (p.Met212Val)

Gene: TFAP2B (transcription factor AP-2 beta; plus strand). Cytogenetic location: 6p12.3.
Variant type: single nucleotide variant.
Coding change: c.634A>G on transcript NM_003221.4 (MANE Select); coding-DNA position 634, A replaced by G.
Protein change: p.Met212Val; replaces methionine 212 with valine.
Molecular consequence: missense variant.
Genome position (GRCh38, 1-based): chr6:50,836,093, A>G. VCF-style: chr6-50836093-A-G. GRCh37 (hg19) VCF-style: chr6-50803806-A-G.
Other names: short protein forms M212V.
Identifiers: ClinVar variation 5030804 (VCV005030804.1).

ClinVar aggregate classification (germline): Uncertain significance (1 of 4 stars; one submission).

Conditions:
Inborn genetic diseases. Identifiers: MedGen C0950123, MeSH D030342.

gnomAD v4.1: 46 of 1,614,018 alleles (0.0029%); highest among the groups gnomAD compares: Non-Finnish European, 0.0038%; no homozygotes.

Submission:

Ambry Genetics
Classification: Uncertain significance for Inborn genetic diseases. Last evaluated: 2026-07-20. Review status: criteria provided, single submitter. Criteria: Ambry Variant Classification Scheme 2023. Collection method: clinical testing. Allele origin: germline.
Comment: The c.634A>G (p.M212V) alteration is located in exon 4 (coding exon 4) of the TFAP2B gene. This alteration results from a A to G substitution at nucleotide position 634, causing the methionine (M) at amino acid position 212 to be replaced by a valine (V). Based on data from gnomAD, the G allele has an overall frequency of <0.001% (1/251466) total alleles studied. The highest observed frequency was 0.001% (1/113748) of European (non-Finnish) alleles. Based on insufficient or conflicting evidence, the clinical significance of this alteration remains unclear.